The following is an entry in ClinVar:

NM_018429.3(BDP1):c.4039G>A (p.Val1347Met)

Gene: BDP1 (BDP1 general transcription factor IIIB subunit; plus strand). Cytogenetic location: 5q13.2.
Variant type: single nucleotide variant.
Coding change: c.4039G>A on transcript NM_018429.3 (MANE Select); coding-DNA position 4039, G replaced by A.
Protein change: p.Val1347Met; replaces valine 1347 with methionine.
Molecular consequence: missense variant.
Genome position (GRCh38, 1-based): chr5:71,511,131, G>A. VCF-style: chr5-71511131-G-A. GRCh37 (hg19) VCF-style: chr5-70806958-G-A.
Other names: p.Val1347Met; short protein forms V1347M.
Identifiers: ClinVar variation 508088 (VCV000508088.6), dbSNP rs6886336, ClinGen allele CA3296571.

ClinVar aggregate classification (germline): Benign. Review status: criteria provided, multiple submitters, no conflicts (2 of 4 stars). 4 submissions from 4 submitters: Benign (4). Last evaluated 2021-07-14.

Conditions:
Hearing loss, autosomal recessive 112. Also called: DEAFNESS, AUTOSOMAL RECESSIVE 112. Identifiers: MedGen C4748855, MONDO:0032639, OMIM 618257.

Allele frequency attached by ClinVar (database versions not stated): TOPMed 0.81239; 1000 Genomes Project 0.82109; gnomAD exomes 0.83208 and 0.83945; ESP Exome Variant Server 0.80291; gnomAD 0.80959 and 0.80644; 1000 Genomes Project 30x 0.81715; ExAC 0.83435.

Submissions (4):

Genome-Nilou Lab
Classification: Benign for Hearing loss, autosomal recessive 112. Last evaluated: 2021-07-14. Review status: criteria provided, single submitter. Criteria: ACMG Guidelines, 2015. Collection method: clinical testing. Allele origin: germline. Affected: no.

Mayo Clinic Laboratories, Mayo Clinic
Classification: Benign. Last evaluated: 2019-08-13. Review status: criteria provided, single submitter. Criteria: ACMG Guidelines, 2015. Collection method: clinical testing. Allele origin: germline. Observed: 99 variant alleles.

GeneDx
Classification: Benign. Last evaluated: 2017-05-09. Review status: criteria provided, single submitter. Criteria: GeneDx Variant Classification (06012015). Collection method: clinical testing. Allele origin: germline. Affected: yes.
Comment: This variant is considered likely benign or benign based on one or more of the following criteria: it is a conservative change, it occurs at a poorly conserved position in the protein, it is predicted to be benign by multiple in silico algorithms, and/or has population frequency not consistent with disease.

Breakthrough Genomics
Classification: Benign. Review status: criteria provided, single submitter. Criteria: ACMG Guidelines, 2015. Collection method: not provided. Allele origin: germline. Inheritance: Autosomal recessive inheritance. Affected: yes.